The following is an entry in ClinVar:

ClinVar aggregate classification (germline): Uncertain significance (1 of 4 stars; one submission).

Conditions:
Alstrom syndrome (ALMS). Identifiers: Orphanet 64, MedGen C0268425, MONDO:0008763, OMIM 203800.

gnomAD v4.1: 1 of 1,614,230 alleles (0.000062%); no homozygotes.

Submission:

Labcorp Genetics (formerly Invitae), Labcorp
Classification: Uncertain significance for Alstrom syndrome. Last evaluated: 2022-04-08. Review status: criteria provided, single submitter. Criteria: Invitae Variant Classification Sherloc (09022015). Collection method: clinical testing. Allele origin: germline.
Comment: This sequence change replaces asparagine, which is neutral and polar, with isoleucine, which is neutral and non-polar, at codon 3018 of the ALMS1 protein (p.Asn3018Ile). This variant is not present in population databases (gnomAD no frequency). This variant has not been reported in the literature in individuals affected with ALMS1-related conditions. Experimental studies and prediction algorithms are not available or were not evaluated, and the functional significance of this variant is currently unknown. In summary, the available evidence is currently insufficient to determine the role of this variant in disease. Therefore, it has been classified as a Variant of Uncertain Significance.

NM_001378454.1(ALMS1):c.9050A>T (p.Asn3017Ile)

Gene: ALMS1 (ALMS1 centrosome and basal body associated protein; plus strand). Cytogenetic location: 2p13.1.
Variant type: single nucleotide variant.
Coding change: c.9050A>T on transcript NM_001378454.1 (MANE Select); coding-DNA position 9050, A replaced by T.
Protein change: p.Asn3017Ile; replaces asparagine 3017 with isoleucine.
Molecular consequence: missense variant.
Genome position (GRCh38, 1-based): chr2:73,491,009, A>T. VCF-style: chr2-73491009-A-T. GRCh37 (hg19) VCF-style: chr2-73718136-A-T.
Other names: c.9053A>T, p.Asn3018Ile (NM_015120.4); short protein forms N3017I, N3018I.
Identifiers: ClinVar variation 2123163 (VCV002123163.4), dbSNP rs768218725, ClinGen allele CA347272689.